The following is an entry in ClinVar:

NM_052845.4(MMAB):c.185C>T (p.Thr62Met)

Genes: MMAB (metabolism of cobalamin associated B; minus strand), MVK (mevalonate kinase; plus strand). Cytogenetic location: 12q24.11.
Variant type: single nucleotide variant.
Coding change: c.185C>T on transcript NM_052845.4 (MANE Select); coding-DNA position 185, C replaced by T.
Protein change: p.Thr62Met; replaces threonine 62 with methionine.
Molecular consequence: missense variant. On other transcripts: non-coding transcript variant (1).
Genome position (GRCh38, 1-based): chr12:109,571,660, G>A on the plus strand (C>T on the coding strand, the complement: MMAB is on the minus strand). VCF-style: chr12-109571660-G-A. GRCh37 (hg19) VCF-style: chr12-110009465-G-A.
Other names: p.T62M:ACG>ATG; short protein forms T62M.
Identifiers: ClinVar variation 203817 (VCV000203817.31), dbSNP rs115802744, ClinGen allele CA312710.

ClinVar aggregate classification (germline): Benign/Likely benign. Review status: criteria provided, multiple submitters, no conflicts (2 of 4 stars). 10 submissions from 8 submitters: Benign (4); Likely benign (4). 2 of the submissions do not count toward it. Last evaluated 2026-01-31.

Conditions:
MMAB-related disorder. Also called: MMAB-related condition.
Mevalonic aciduria (MEVA). Identifiers: Orphanet 29, MedGen C1959626, MONDO:0012481, OMIM 610377.
Hyperimmunoglobulin D with periodic fever (HIDS). Also called: Hyperimmunoglobulinemia D; Hyperimmunoglobulinemia D with periodic fever; HYPERIMMUNOGLOBULINEMIA D AND PERIODIC FEVER SYNDROME. Identifiers: Orphanet 343, MedGen C0398691, MONDO:0009849, OMIM 260920.
Methylmalonic aciduria, cblB type (MACB). Also called: Vitamin B12-responsive methylmalonic acidemia type cblB; Methylmalonic acidemia cblB type; METHYLMALONIC ACIDURIA, VITAMIN B12-RESPONSIVE, DUE TO DEFECT IN SYNTHESIS OF ADENOSYLCOBALAMIN, cblB TYPE. Identifiers: Orphanet 28, Orphanet 79311, MedGen C1855102, MONDO:0009614, OMIM 251110.

Allele frequency attached by ClinVar (database versions not stated): ExAC 0.00221; TOPMed 0.00651; 1000 Genomes Project 0.00679; gnomAD exomes 0.00177; 1000 Genomes Project 30x 0.00703; ESP Exome Variant Server 0.00723.
gnomAD v4.1: 2,031 of 1,614,054 alleles (0.13%); highest among the groups gnomAD compares: African/African-American, 2.3%; 31 homozygotes.

Submissions (10):

Labcorp Genetics (formerly Invitae), Labcorp
Classification: Benign for Methylmalonic aciduria, cblB type. Last evaluated: 2026-01-31. Review status: criteria provided, single submitter. Criteria: Invitae Variant Classification Sherloc (09022015). Collection method: clinical testing. Allele origin: germline.

Genomic Medicine Center of Excellence, King Faisal Specialist Hospital and Research Centre
Classification: Likely benign. Last evaluated: 2025-08-18. Review status: criteria provided, single submitter. Criteria: ACMG Guidelines, 2015. Collection method: clinical testing. Allele origin: germline.

Women's Health and Genetics/Laboratory Corporation of America, LabCorp
Classification: Likely benign. Last evaluated: 2021-12-10. Review status: criteria provided, single submitter. Criteria: LabCorp Variant Classification Summary - May 2015. Collection method: clinical testing. Allele origin: germline.

GeneDx
Classification: Likely benign. Last evaluated: 2021-05-11. Review status: criteria provided, single submitter. Criteria: GeneDx Variant Classification Process June 2021. Collection method: clinical testing. Allele origin: germline. Affected: yes.
Comment: This variant is associated with the following publications: (PMID: 23707710)

Illumina Laboratory Services, Illumina
Classification: Benign for Mevalonic aciduria. Last evaluated: 2018-01-13. Review status: criteria provided, single submitter. Criteria: ICSL Variant Classification Criteria 13 December 2019. Collection method: clinical testing. Allele origin: germline.
Comment: This variant was observed in the ICSL laboratory as part of a predisposition screen in an ostensibly healthy population. It had not been previously curated by ICSL or reported in the Human Gene Mutation Database (HGMD: prior to June 1st, 2018), and was therefore a candidate for classification through an automated scoring system. Utilizing variant allele frequency, disease prevalence and penetrance estimates, and inheritance mode, an automated score was calculated to assess if this variant is too frequent to cause the disease. Based on the score and internal cut-off values, a variant classified as benign is not then subjected to further curation. The score for this variant resulted in a classification of benign for this disease.

Illumina Laboratory Services, Illumina
Classification: Benign for Hyperimmunoglobulin D with periodic fever. Last evaluated: 2018-01-13. Review status: criteria provided, single submitter. Criteria: ICSL Variant Classification Criteria 13 December 2019. Collection method: clinical testing. Allele origin: germline.
Comment: the same text as in the submission from Illumina Laboratory Services, Illumina above.

Illumina Laboratory Services, Illumina
Classification: Benign for Methylmalonic aciduria, cblB type. Last evaluated: 2017-04-28. Review status: criteria provided, single submitter. Criteria: ICSL Variant Classification Criteria 13 December 2019. Collection method: clinical testing. Allele origin: germline.
Comment: This variant was observed as part of a predisposition screen in an ostensibly healthy population. A literature search was performed for the gene, cDNA change, and amino acid change (where applicable). Publications were found based on this search. The evidence from the literature, in combination with allele frequency data from public databases where available, was sufficient to rule this variant out of causing disease. Therefore, this variant is classified as benign.

Breakthrough Genomics
Classification: Likely benign. Review status: criteria provided, single submitter. Criteria: ACMG Guidelines, 2015. Collection method: not provided. Allele origin: germline. Inheritance: Autosomal recessive inheritance. Affected: yes.

PreventionGenetics, part of Exact Sciences
Classification: Likely benign for MMAB-related condition. Last evaluated: 2019-11-19. Review status: no assertion criteria provided. Collection method: clinical testing. Allele origin: germline. Not counted in ClinVar's aggregate classification.
Comment: This variant is classified as likely benign based on ACMG/AMP sequence variant interpretation guidelines (Richards et al. 2015 PMID: 25741868, with internal and published modifications).

Natera, Inc.
Classification: Benign for Methylmalonic aciduria cblB type. Last evaluated: 2019-11-15. Review status: no assertion criteria provided. Collection method: clinical testing. Allele origin: germline. Not counted in ClinVar's aggregate classification.

Literature cited by the submitters: PubMed 23707710 (cited by Illumina Laboratory Services, Illumina).